The following is an entry in ClinVar:

NM_003630.3(PEX3):c.*205C>A

Gene: PEX3 (peroxisomal biogenesis factor 3; plus strand). Cytogenetic location: 6q24.2.
Variant type: single nucleotide variant.
Coding change: c.*205C>A on transcript NM_003630.3 (MANE Select); 205 bases downstream of the stop codon, C replaced by A.
Molecular consequence: 3 prime UTR variant.
Genome position (GRCh38, 1-based): chr6:143,489,431, C>A. VCF-style: chr6-143489431-C-A. GRCh37 (hg19) VCF-style: chr6-143810568-C-A.
Identifiers: ClinVar variation 907774 (VCV000907774.7), dbSNP rs78091135, ClinGen allele CA149045687.
Genomic context (GRCh38, chr6:143,489,431, plus strand): 5'-CAATTTATTTGGCATCTTAATATATTTTTTTAGATTCATCAACAGACCAGTTTTTGTGGG[C>A]ATATATATATACACGTGCAAATATCAGAATTGTTAATAATTTGTTACACATGGACATTTG-3'

ClinVar aggregate classification (germline): Benign/Likely benign. Review status: criteria provided, multiple submitters, no conflicts (2 of 4 stars). 3 submissions from 3 submitters: Benign (1); Likely benign (2). Last evaluated 2019-03-24.

Conditions:
Peroxisome biogenesis disorder 10A (Zellweger). Also called: Peroxisome biogenesis disorder 10A. Identifiers: Orphanet 912, MedGen C3553999, MONDO:0013948, OMIM 614882.

Allele frequency attached by ClinVar (database versions not stated): gnomAD exomes 0.00133; gnomAD 0.00978 and 0.01040; TOPMed 0.01106; 1000 Genomes Project 0.01178.
gnomAD v4.1: 1,903 of 463,526 alleles (0.41%); highest among the groups gnomAD compares: African/African-American, 3.4%; 27 homozygotes.

Submissions (3):

GeneDx
Classification: Likely benign. Last evaluated: 2019-03-24. Review status: criteria provided, single submitter. Criteria: GeneDx Variant Classification Process June 2021. Collection method: clinical testing. Allele origin: germline. Affected: yes.

Illumina Laboratory Services, Illumina
Classification: Benign for Peroxisome biogenesis disorder 10A (Zellweger). Last evaluated: 2018-01-13. Review status: criteria provided, single submitter. Criteria: ICSL Variant Classification Criteria 13 December 2019. Collection method: clinical testing. Allele origin: germline.
Comment: This variant was observed in the ICSL laboratory as part of a predisposition screen in an ostensibly healthy population. It had not been previously curated by ICSL or reported in the Human Gene Mutation Database (HGMD: prior to June 1st, 2018), and was therefore a candidate for classification through an automated scoring system. Utilizing variant allele frequency, disease prevalence and penetrance estimates, and inheritance mode, an automated score was calculated to assess if this variant is too frequent to cause the disease. Based on the score and internal cut-off values, a variant classified as benign is not then subjected to further curation. The score for this variant resulted in a classification of benign for this disease.

Breakthrough Genomics
Classification: Likely benign. Review status: criteria provided, single submitter. Criteria: ACMG Guidelines, 2015. Collection method: not provided. Allele origin: germline. Inheritance: Autosomal recessive inheritance. Affected: yes.